The following is an entry in ClinVar:

ClinVar aggregate classification (germline): Uncertain significance. Review status: criteria provided, multiple submitters, no conflicts (2 of 4 stars). 4 submissions from 4 submitters: Uncertain significance (4). Last evaluated 2025-11-17.

Conditions:
Sessile serrated polyposis cancer syndrome (SSPCS). Identifiers: Orphanet 157798, MedGen C4310714, MONDO:0014919, OMIM 617108.

Submissions (4):

Labcorp Genetics (formerly Invitae), Labcorp
Classification: Uncertain significance. Last evaluated: 2025-11-17. Review status: criteria provided, single submitter. Criteria: Invitae Variant Classification Sherloc (09022015). Collection method: clinical testing. Allele origin: germline.
Comment: This sequence change replaces alanine, which is neutral and non-polar, with valine, which is neutral and non-polar, at codon 35 of the RNF43 protein (p.Ala35Val). This variant is present in population databases (rs779128299, gnomAD 0.004%). This variant has not been reported in the literature in individuals affected with RNF43-related conditions. ClinVar contains an entry for this variant (Variation ID: 3434530). An algorithm developed to predict the effect of missense changes on protein structure and function (PolyPhen-2) suggests that this variant is likely to be disruptive. In summary, the available evidence is currently insufficient to determine the role of this variant in disease. Therefore, it has been classified as a Variant of Uncertain Significance.

Ambry Genetics
Classification: Uncertain significance. Last evaluated: 2025-06-18. Review status: criteria provided, single submitter. Criteria: Ambry Variant Classification Scheme 2023. Collection method: clinical testing. Allele origin: germline.

Center for Genomic Medicine, Rigshospitalet, Copenhagen University Hospital
Classification: Uncertain significance. Last evaluated: 2025-03-04. Review status: criteria provided, single submitter. Criteria: ACMG Guidelines, 2015. Collection method: clinical testing. Allele origin: germline.

Department of Pathology and Laboratory Medicine, Sinai Health System
Classification: Uncertain significance for Sessile serrated polyposis cancer syndrome. Last evaluated: 2022-10-13. Review status: criteria provided, single submitter. Criteria: ACMG Guidelines, 2015. Collection method: clinical testing. Allele origin: germline. Affected: yes.

NM_017763.6(RNF43):c.104C>T (p.Ala35Val)

Gene: RNF43 (ring finger protein 43; minus strand). Cytogenetic location: 17q22.
Variant type: single nucleotide variant.
Coding change: c.104C>T on transcript NM_017763.6 (MANE Select); coding-DNA position 104, C replaced by T.
Protein change: p.Ala35Val; replaces alanine 35 with valine.
Molecular consequence: missense variant.
Genome position (GRCh38, 1-based): chr17:58,415,474, G>A on the plus strand (C>T on the coding strand, the complement: RNF43 is on the minus strand). VCF-style: chr17-58415474-G-A. GRCh37 (hg19) VCF-style: chr17-56492835-G-A.
Other names: c.104C>T, p.Ala35Val (NM_001305544.3); short protein forms A35V.
Identifiers: ClinVar variation 3434530 (VCV003434530.5).